The following is an entry in ClinVar:

NM_006269.2(RP1):c.6137A>G (p.Asn2046Ser)

Gene: RP1 (RP1 axonemal microtubule associated; plus strand). Cytogenetic location: 8q12.1.
Variant type: single nucleotide variant.
Coding change: c.6137A>G on transcript NM_006269.2 (MANE Select); coding-DNA position 6137, A replaced by G.
Protein change: p.Asn2046Ser; replaces asparagine 2046 with serine.
Molecular consequence: missense variant. On other transcripts: intron variant (1).
Genome position (GRCh38, 1-based): chr8:54,630,019, A>G. VCF-style: chr8-54630019-A-G. GRCh37 (hg19) VCF-style: chr8-55542579-A-G.
Other names: c.787+7731A>G (NM_001375654.1); c.6137A>G (NM_006269.1); short protein forms N2046S.
Identifiers: ClinVar variation 1052284 (VCV001052284.10), dbSNP rs150148595, ClinGen allele CA4752188.

ClinVar aggregate classification (germline): Uncertain significance. Review status: criteria provided, multiple submitters, no conflicts (2 of 4 stars). 2 submissions from 2 submitters: Uncertain significance (2). Last evaluated 2023-10-30.

Conditions:
Inborn genetic diseases. Identifiers: MedGen C0950123, MeSH D030342.

Allele frequency attached by ClinVar (database versions not stated): ExAC 0.00001; gnomAD exomes 0.00001; gnomAD 0.00002; TOPMed 0.00002; ESP Exome Variant Server 0.00008.
gnomAD v4.1: 19 of 1,613,934 alleles (0.0012%); highest among the groups gnomAD compares: African/African-American, 0.004%; no homozygotes.

Submissions (2):

Labcorp Genetics (formerly Invitae), Labcorp
Classification: Uncertain significance. Last evaluated: 2023-10-30. Review status: criteria provided, single submitter. Criteria: Invitae Variant Classification Sherloc (09022015). Collection method: clinical testing. Allele origin: germline.
Comment: This sequence change replaces asparagine, which is neutral and polar, with serine, which is neutral and polar, at codon 2046 of the RP1 protein (p.Asn2046Ser). This variant is present in population databases (rs150148595, gnomAD 0.004%). This variant has not been reported in the literature in individuals affected with RP1-related conditions. ClinVar contains an entry for this variant (Variation ID: 1052284). An algorithm developed to predict the effect of missense changes on protein structure and function (PolyPhen-2) suggests that this variant is likely to be tolerated. In summary, the available evidence is currently insufficient to determine the role of this variant in disease. Therefore, it has been classified as a Variant of Uncertain Significance.

Ambry Genetics
Classification: Uncertain significance for Inborn genetic diseases. Last evaluated: 2023-02-16. Review status: criteria provided, single submitter. Criteria: Ambry Variant Classification Scheme 2023. Collection method: clinical testing. Allele origin: germline.